The following is an entry in ClinVar:

ClinVar aggregate classification (germline): Uncertain significance (1 of 4 stars; one submission).

Allele frequency attached by ClinVar (database versions not stated): TOPMed below 0.00001; gnomAD 0.00001.
gnomAD v4.1: 13 of 1,613,878 alleles (0.00081%); highest among the groups gnomAD compares: East Asian, 0.0022%; no homozygotes.

Submission:

Labcorp Genetics (formerly Invitae), Labcorp
Classification: Uncertain significance. Last evaluated: 2022-07-12. Review status: criteria provided, single submitter. Criteria: Invitae Variant Classification Sherloc (09022015). Collection method: clinical testing. Allele origin: germline.
Comment: This sequence change replaces phenylalanine, which is neutral and non-polar, with leucine, which is neutral and non-polar, at codon 616 of the ENPP1 protein (p.Phe616Leu). In summary, the available evidence is currently insufficient to determine the role of this variant in disease. Therefore, it has been classified as a Variant of Uncertain Significance. Algorithms developed to predict the effect of missense changes on protein structure and function output the following: SIFT: "Tolerated"; PolyPhen-2: "Benign"; Align-GVGD: "Class C0". The leucine amino acid residue is found in multiple mammalian species, which suggests that this missense change does not adversely affect protein function. This variant has not been reported in the literature in individuals affected with ENPP1-related conditions. This variant is not present in population databases (gnomAD no frequency).

NM_006208.3(ENPP1):c.1846T>C (p.Phe616Leu)

Gene: ENPP1 (ectonucleotide pyrophosphatase/phosphodiesterase 1; plus strand). Cytogenetic location: 6q23.2.
Variant type: single nucleotide variant.
Coding change: c.1846T>C on transcript NM_006208.3 (MANE Select); coding-DNA position 1846, T replaced by C.
Protein change: p.Phe616Leu; replaces phenylalanine 616 with leucine.
Molecular consequence: missense variant.
Genome position (GRCh38, 1-based): chr6:131,877,114, T>C. VCF-style: chr6-131877114-T-C. GRCh37 (hg19) VCF-style: chr6-132198254-T-C.
Other names: short protein forms F616L.
Identifiers: ClinVar variation 1972538 (VCV001972538.5), dbSNP rs907235609, ClinGen allele CA147895798.